The following is an entry in ClinVar:

ClinVar aggregate classification (germline): Likely benign. Review status: criteria provided, multiple submitters, no conflicts (2 of 4 stars). 3 submissions from 3 submitters: Likely benign (3). Last evaluated 2024-12-04.

Conditions:
Autosomal recessive limb-girdle muscular dystrophy type 2J (LGMDR10). Also called: Limb-girdle muscular dystrophy, type 2J; MUSCULAR DYSTROPHY, LIMB-GIRDLE, AUTOSOMAL RECESSIVE 10. Identifiers: Orphanet 140922, MedGen C1837342, MONDO:0012127, OMIM 608807.
Dilated cardiomyopathy 1G (CMD1G). Identifiers: Orphanet 154, MedGen C1858763, MONDO:0011400, OMIM 604145.

Submissions (3):

Labcorp Genetics (formerly Invitae), Labcorp
Classification: Likely benign for Dilated cardiomyopathy 1G; Autosomal recessive limb-girdle muscular dystrophy type 2J. Last evaluated: 2024-12-04. Review status: criteria provided, single submitter. Criteria: Invitae Variant Classification Sherloc (09022015). Collection method: clinical testing. Allele origin: germline.

Blueprint Genetics
Classification: Likely benign. Last evaluated: 2020-12-23. Review status: criteria provided, single submitter. Criteria: ACMG Guidelines, 2015. Collection method: clinical testing. Allele origin: germline.

Laboratory for Molecular Medicine, Mass General Brigham Personalized Medicine
Classification: Likely benign. Last evaluated: 2012-05-10. Review status: criteria provided, single submitter. Criteria: LMM Criteria. Collection method: clinical testing. Allele origin: germline. Observed: 1 variant allele.
Comment: Gly32427Gly in exon 307 of TTN: This variant is not expected to have clinical si gnificance because it does not alter an amino acid residue and it is not located within the splice consensus sequence. Gly32427Gly in exon 307 of TTN (allele f requency = n/a)

NM_001267550.2(TTN):c.104985A>G (p.Gly34995=)

Genes: TTN (titin; minus strand), TTN-AS1 (TTN antisense RNA 1; plus strand). Cytogenetic location: 2q31.2.
Variant type: single nucleotide variant.
Coding change: c.104985A>G on transcript NM_001267550.2 (MANE Select); coding-DNA position 104985, A replaced by G.
Protein change: p.Gly34995=; no amino-acid change (glycine 34995 retained).
Molecular consequence: synonymous variant.
Genome position (GRCh38, 1-based): chr2:178,531,630, T>C on the plus strand (A>G on the coding strand, the complement: TTN is on the minus strand). VCF-style: chr2-178531630-T-C. GRCh37 (hg19) VCF-style: chr2-179396357-T-C.
Other names: c.100062A>G, p.Gly33354= (NM_001256850.1); c.77790A>G, p.Gly25930= (NM_003319.4); c.78165A>G, p.Gly26055= (NM_133432.3); c.78366A>G, p.Gly26122= (NM_133437.4); c.97281A>G, p.Gly32427= (NM_133378.4).
Identifiers: ClinVar variation 47680 (VCV000047680.14), dbSNP rs397517793, ClinGen allele CA141703.